The following is an entry in ClinVar:

ClinVar aggregate classification (germline): Likely pathogenic (1 of 4 stars; one submission).

Conditions:
ENG-related disorder. Also called: ENG-related condition; ENG-related disorders.

Submissions (3):

PreventionGenetics, part of Exact Sciences
Classification: Likely pathogenic for ENG-related condition. Last evaluated: 2023-09-10. Review status: criteria provided, single submitter. Criteria: ACMG Guidelines, 2015. Collection method: clinical testing. Allele origin: germline.
Comment: The ENG c.219+2T>A variant is predicted to disrupt the GT donor site and interfere with normal splicing. To our knowledge, this variant has not been reported in the literature or in a large population database, indicating this variant is rare. Variants that disrupt the consensus splice donor site in ENG are expected to be pathogenic. This variant is interpreted as likely pathogenic.

Dr. Peter K. Rogan Lab, Western University
No classification provided (evidence only). Condition: Thyroid cancer, nonmedullary, 1. Review status: no classification provided. Collection method: in vitro. Allele origin: not applicable. Functional consequence: retained intron. Not counted in ClinVar's aggregate classification.

Dr. Peter K. Rogan Lab, Western University
No classification provided (evidence only). Condition: Thyroid cancer, nonmedullary, 1. Review status: no classification provided. Collection method: in vitro. Allele origin: not applicable. Functional consequence: retained intron. Not counted in ClinVar's aggregate classification.

NM_001114753.3(ENG):c.219+2T>A

Gene: ENG (endoglin; minus strand). Cytogenetic location: 9q34.11.
Variant type: single nucleotide variant.
Coding change: c.219+2T>A on transcript NM_001114753.3 (MANE Select); the canonical splice donor site of the intron after coding-DNA position 219, T replaced by A.
Molecular consequence: splice donor variant.
Genome position (GRCh38, 1-based): chr9:127,843,092, A>T on the plus strand (T>A on the coding strand, the complement: ENG is on the minus strand). VCF-style: chr9-127843092-A-T. GRCh37 (hg19) VCF-style: chr9-130605371-A-T.
Other names: NC_000009.11:g.130605371A>T; c.219+2T>A (NM_000118.4, NM_001406715.1); c.-328+2T>A (NM_001278138.2).
Identifiers: ClinVar variation 2630666 (VCV002630666.2), dbSNP rs2131918332, ClinGen allele CA374988826.
Genomic context (GRCh38, chr9:127,843,092, plus strand): 5'-TCACCCCATCTGCCTTGGAGCTTCCTCTGAGCCCCCACCCGACCCTGCCATGGGACACTC[A>T]CCGTTGGGAACTCCAGGAAGAGGACATGGACTTCAAGGATGGCATTGGGGGCCTGAGCCA-3'